The following is an entry in ClinVar:

NM_024649.5(BBS1):c.195G>T (p.Gln65His)

Gene: BBS1 (Bardet-Biedl syndrome 1; plus strand). Cytogenetic location: 11q13.2.
Variant type: single nucleotide variant.
Coding change: c.195G>T on transcript NM_024649.5 (MANE Select); coding-DNA position 195, G replaced by T.
Protein change: p.Gln65His; replaces glutamine 65 with histidine.
Molecular consequence: missense variant.
Genome position (GRCh38, 1-based): chr11:66,514,441, G>T. VCF-style: chr11-66514441-G-T. GRCh37 (hg19) VCF-style: chr11-66281912-G-T.
Other names: short protein forms Q65H.
Identifiers: ClinVar variation 4978375 (VCV004978375.1).
Genomic context (GRCh38, chr11:66,514,441, plus strand): 5'-AGAATGAGCCATCCTCTCCCTGCAGCTGGTGGTAGGGGACCTTGGCCCTGGTGGGCAGCA[G>T]CCCCGCCTGAAGGTGCTCAAAGGACCACTGGTGATGACCGAAAGCCCGCTACCTGCTCTG-3'
Protein context (NP_078925.3, residues 55-75): VVGDLGPGGQ[Gln65His]PRLKVLKGPL

ClinVar aggregate classification (germline): Uncertain significance (1 of 4 stars; one submission).

Conditions:
BBS1-related disorder. Also called: BBS1-related condition.

Submission:

PreventionGenetics, part of Exact Sciences
Classification: Uncertain significance for BBS1-related condition. Last evaluated: 2026-05-04. Review status: criteria provided, single submitter. Criteria: ACMG Guidelines, 2015. Collection method: clinical testing. Allele origin: germline.
Comment: The BBS1 c.195G>T variant is predicted to result in the amino acid substitution p.Gln65His. To our knowledge, this variant has not been reported in the literature or in a large population database (gnomAD), indicating this variant is rare. At this time, the clinical significance of this variant is uncertain due to the absence of conclusive functional and genetic evidence.